The following is an entry in ClinVar:

ClinVar aggregate classification (germline): Likely benign (1 of 4 stars; one submission).

Conditions:
Breast-ovarian cancer, familial, susceptibility to, 4. Identifiers: Orphanet 145, MedGen C3280345, MONDO:0013669, OMIM 614291.

gnomAD v4.1: 1 of 1,608,582 alleles (0.000062%); highest among the groups gnomAD compares: African/African-American, 0.0013%; no homozygotes.

Submission:

Myriad Genetics, Inc.
Classification: Likely benign for Breast-ovarian cancer, familial, susceptibility to, 4. Last evaluated: 2025-02-24. Review status: criteria provided, single submitter. Criteria: Myriad Autosomal Dominant, Autosomal Recessive and X-Linked Classification Criteria (2023). Collection method: clinical testing. Allele origin: unknown.
Comment: This variant is considered likely benign. This variant is intronic and is not expected to impact mRNA splicing.

NM_002878.4(RAD51D):c.577-11C>T

Genes: RAD51D (RAD51 paralog D; minus strand), RAD51L3-RFFL (RAD51L3-RFFL readthrough; minus strand). Cytogenetic location: 17q12.
Variant type: single nucleotide variant.
Coding change: c.577-11C>T on transcript NM_002878.4 (MANE Select); 11 bases into the intron before coding-DNA position 577, C replaced by T.
Molecular consequence: intron variant.
Genome position (GRCh38, 1-based): chr17:35,103,555, G>A on the plus strand (C>T on the coding strand, the complement: RAD51D is on the minus strand). VCF-style: chr17-35103555-G-A. GRCh37 (hg19) VCF-style: chr17-33430574-G-A.
Other names: c.241-11C>T (NM_133629.3); c.637-11C>T (NM_001142571.2).
Identifiers: ClinVar variation 3904258 (VCV003904258.1).
Genomic context (GRCh38, chr17:35,103,555, plus strand): 5'-GTGACCGAGTCCACAACCACCACCTTCACAGTTCCTGAAGAACCAGTCACCTGAAGGAAT[G>A]TGGGGGAAGCACTCATGAACCTGTCAGCCTCTAGGACACATTACAGGACAAGCTTGCTTT-3'